The following is an entry in ClinVar:

NM_033453.4(ITPA):c.190-3C>A

Gene: ITPA (inosine triphosphatase; plus strand). Cytogenetic location: 20p13.
Variant type: single nucleotide variant.
Coding change: c.190-3C>A on transcript NM_033453.4 (MANE Select); 3 bases into the intron before coding-DNA position 190, C replaced by A.
Molecular consequence: intron variant.
Genome position (GRCh38, 1-based): chr20:3,213,982, C>A. VCF-style: chr20-3213982-C-A. GRCh37 (hg19) VCF-style: chr20-3194628-C-A.
Other names: c.-148-3C>A (NM_001324237.2, NM_001324238.2, NM_001324236.2 and 1 more transcripts); c.190-3C>A (NM_001324240.2); c.67-3C>A (NM_001267623.2); c.139-3C>A (NM_181493.4).
Identifiers: ClinVar variation 2193764 (VCV002193764.6), dbSNP rs772126824, ClinGen allele CA9741208.

ClinVar aggregate classification (germline): Uncertain significance. Review status: criteria provided, multiple submitters, no conflicts (2 of 4 stars). 2 submissions from 2 submitters: Uncertain significance (2). Last evaluated 2022-02-22.

Conditions:
Inosine triphosphatase deficiency. Also called: INOSINE TRIPHOSPHATE PYROPHOSPHOHYDROLASE DEFICIENCY. Identifiers: MedGen C0342800, MONDO:0013461, OMIM 613850.
Developmental and epileptic encephalopathy, 35 (DEE35). Also called: Epileptic encephalopathy, early infantile, 35. Identifiers: Orphanet 457375, MedGen C4225256, MONDO:0014719, OMIM 616647.

Allele frequency attached by ClinVar (database versions not stated): gnomAD 0.00001.
gnomAD v4.1: 31 of 1,614,016 alleles (0.0019%); highest among the groups gnomAD compares: Non-Finnish European, 0.0025%; no homozygotes.

Submissions (2):

Labcorp Genetics (formerly Invitae), Labcorp
Classification: Uncertain significance for Inosine triphosphatase deficiency. Last evaluated: 2022-02-22. Review status: criteria provided, single submitter. Criteria: Invitae Variant Classification Sherloc (09022015). Collection method: clinical testing. Allele origin: germline.
Comment: This sequence change falls in intron 3 of the ITPA gene. It does not directly change the encoded amino acid sequence of the ITPA protein. It affects a nucleotide within the consensus splice site. This variant is present in population databases (rs772126824, gnomAD 0.004%). This variant has not been reported in the literature in individuals affected with ITPA-related conditions. Variants that disrupt the consensus splice site are a relatively common cause of aberrant splicing (PMID: 17576681, 9536098). Algorithms developed to predict the effect of sequence changes on RNA splicing suggest that this variant may disrupt the consensus splice site. In summary, the available evidence is currently insufficient to determine the role of this variant in disease. Therefore, it has been classified as a Variant of Uncertain Significance.

Blueprint Genetics
Classification: Uncertain significance. Last evaluated: 2021-10-13. Review status: criteria provided, single submitter. Criteria: ACMG Guidelines, 2015. Collection method: clinical testing. Allele origin: germline.

Literature cited by the submitters: PubMed 17576681 (cited by Labcorp Genetics (formerly Invitae), Labcorp); PubMed 9536098 (cited by Labcorp Genetics (formerly Invitae), Labcorp).